The following is an entry in ClinVar:

ClinVar aggregate classification (germline): Uncertain significance. Review status: criteria provided, multiple submitters, no conflicts (2 of 4 stars). 2 submissions from 2 submitters: Uncertain significance (2). Last evaluated 2025-06-11.

Conditions:
Inborn genetic diseases. Identifiers: MedGen C0950123, MeSH D030342.
Early-infantile DEE. Also called: Early infantile epileptic encephalopathy; Ohtahara syndrome; Early infantile epileptic encephalopathy with suppression bursts. Identifiers: Orphanet 1934, MedGen C0393706, MONDO:0800491.

Allele frequency attached by ClinVar (database versions not stated): gnomAD exomes below 0.00001.
gnomAD v4.1: 6 of 1,613,678 alleles (0.00037%); highest among the groups gnomAD compares: Non-Finnish European, 0.00042%; no homozygotes.

Submissions (2):

Ambry Genetics
Classification: Uncertain significance for Inborn genetic diseases. Last evaluated: 2025-06-11. Review status: criteria provided, single submitter. Criteria: Ambry Variant Classification Scheme 2023. Collection method: clinical testing. Allele origin: germline.

Labcorp Genetics (formerly Invitae), Labcorp
Classification: Uncertain significance for Early-infantile DEE. Last evaluated: 2019-09-10. Review status: criteria provided, single submitter. Criteria: Invitae Variant Classification Sherloc (09022015). Collection method: clinical testing. Allele origin: germline.
Comment: Algorithms developed to predict the effect of missense changes on protein structure and function are either unavailable or do not agree on the potential impact of this missense change (SIFT: "Deleterious"; PolyPhen-2: "Possibly Damaging"; Align-GVGD: "Class C0"). This variant has not been reported in the literature in individuals with SCN8A-related conditions. This variant is not present in population databases (ExAC no frequency). This sequence change replaces arginine with glutamine at codon 1820 of the SCN8A protein (p.Arg1820Gln). The arginine residue is highly conserved and there is a small physicochemical difference between arginine and glutamine. In summary, the available evidence is currently insufficient to determine the role of this variant in disease. Therefore, it has been classified as a Variant of Uncertain Significance.

NM_001330260.2(SCN8A):c.5459G>A (p.Arg1820Gln)

Gene: SCN8A (sodium voltage-gated channel alpha subunit 8; plus strand). Cytogenetic location: 12q13.13.
Variant type: single nucleotide variant.
Coding change: c.5459G>A on transcript NM_001330260.2 (MANE Select); coding-DNA position 5459, G replaced by A.
Protein change: p.Arg1820Gln; replaces arginine 1820 with glutamine.
Molecular consequence: missense variant.
Genome position (GRCh38, 1-based): chr12:51,806,945, G>A. VCF-style: chr12-51806945-G-A. GRCh37 (hg19) VCF-style: chr12-52200729-G-A.
Other names: c.5336G>A, p.Arg1779Gln (NM_001177984.3, NM_001369788.1); c.5459G>A, p.Arg1820Gln (NM_014191.4); c.5459G>A (NM_014191.2); short protein forms R1779Q, R1820Q.
Identifiers: ClinVar variation 937302 (VCV000937302.11), dbSNP rs919754724, ClinGen allele CA236327645.
Genomic context (GRCh38, chr12:51,806,945, plus strand): 5'-CCCAGTTCATTGAGTACTGTAAGCTGGCAGACTTTGCAGATGCCTTGGAGCATCCTCTCC[G>A]AGTGCCCAAGCCCAATACCATTGAGCTCATCGCTATGGATCTGCCAATGGTGAGCGGGGA-3'
Protein context (NP_001317189.1, residues 1810-1830): DFADALEHPL[Arg1820Gln]VPKPNTIELI